The following is an entry in ClinVar:

NM_000059.4(BRCA2):c.1747T>G (p.Leu583Val)

Gene: BRCA2 (BRCA2 DNA repair associated; plus strand). Cytogenetic location: 13q13.1.
Variant type: single nucleotide variant.
Coding change: c.1747T>G on transcript NM_000059.4 (MANE Select); coding-DNA position 1747, T replaced by G.
Protein change: p.Leu583Val; replaces leucine 583 with valine.
Molecular consequence: missense variant. On other transcripts: non-coding transcript variant (1), intron variant (1).
Genome position (GRCh38, 1-based): chr13:32,333,225, T>G. VCF-style: chr13-32333225-T-G. GRCh37 (hg19) VCF-style: chr13-32907362-T-G.
Other names: c.1747T>G, p.Leu583Val (NM_001406719.1, NM_001406720.1, NM_001406721.1 and 1 more transcripts); c.424+2195T>G (NM_001406722.1); short protein forms L583V.
Identifiers: ClinVar variation 5033245 (VCV005033245.1).

ClinVar aggregate classification (germline): Uncertain significance (1 of 4 stars; one submission).

Conditions:
Hereditary cancer-predisposing syndrome. Also called: Neoplastic Syndromes, Hereditary; Tumor predisposition; Hereditary neoplastic syndrome; Hereditary Cancer Syndrome. Identifiers: Orphanet 140162, MedGen C0027672, MeSH D009386, MONDO:0015356.

Submission:

Ambry Genetics
Classification: Uncertain significance for Hereditary cancer-predisposing syndrome. Last evaluated: 2026-06-16. Review status: criteria provided, single submitter. Criteria: Ambry Variant Classification Scheme 2023. Collection method: clinical testing. Allele origin: germline.
Comment: The p.L583V variant (also known as c.1747T>G), located in coding exon 9 of the BRCA2 gene, results from a T to G substitution at nucleotide position 1747. The leucine at codon 583 is replaced by valine, an amino acid with highly similar properties. This amino acid position is conserved. In addition, this alteration is predicted to be tolerated by in silico analysis. Based on the available evidence, the clinical significance of this variant remains unclear.